The following is an entry in ClinVar:

ClinVar aggregate classification (germline): Uncertain significance (1 of 4 stars; one submission).

Conditions:
Werner syndrome (WRN). Identifiers: Orphanet 902, MedGen C0043119, MONDO:0010196, OMIM 277700.

Allele frequency attached by ClinVar (database versions not stated): gnomAD exomes below 0.00001.
gnomAD v4.1: 2 of 1,606,970 alleles (0.00012%); highest among the groups gnomAD compares: Non-Finnish European, 0.00017%; no homozygotes.

Submission:

Labcorp Genetics (formerly Invitae), Labcorp
Classification: Uncertain significance for Werner syndrome. Last evaluated: 2017-10-16. Review status: criteria provided, single submitter. Criteria: Invitae Variant Classification Sherloc (09022015). Collection method: clinical testing. Allele origin: germline.
Comment: This sequence change falls in intron 7 of the WRN gene. It does not directly change the encoded amino acid sequence of the WRN protein. This variant is not present in population databases (ExAC no frequency). This variant has not been reported in the literature in individuals with WRN-related disease. Algorithms developed to predict the effect of sequence changes on RNA splicing suggest that this variant may disrupt the consensus splice site, but this prediction has not been confirmed by published transcriptional studies. In summary, the available evidence is currently insufficient to determine the role of this variant in disease. Therefore, it has been classified as a Variant of Uncertain Significance.

NM_000553.6(WRN):c.725-6C>T

Gene: WRN (WRN RecQ like helicase; plus strand). Cytogenetic location: 8p12.
Variant type: single nucleotide variant.
Coding change: c.725-6C>T on transcript NM_000553.6 (MANE Select); 6 bases into the intron before coding-DNA position 725, C replaced by T.
Molecular consequence: intron variant.
Genome position (GRCh38, 1-based): chr8:31,076,167, C>T. VCF-style: chr8-31076167-C-T. GRCh37 (hg19) VCF-style: chr8-30933683-C-T.
Identifiers: ClinVar variation 528120 (VCV000528120.1), dbSNP rs1554520258, ClinGen allele CA658797077.